The following is an entry in ClinVar:

ClinVar aggregate classification (germline): Conflicting classifications of pathogenicity. Review status: criteria provided, conflicting classifications (1 of 4 stars). 9 submissions from 8 submitters: Uncertain significance (1); Likely benign (7). 1 of the submissions does not count toward it. Last evaluated 2026-01-21.

Conditions:
COL1A2-related disorder. Also called: COL1A2-Related Disorders; COL1A2-related condition.
Ehlers-Danlos syndrome, arthrochalasia type, 2. Also called: EHLERS-DANLOS SYNDROME, TYPE VIIB, AUTOSOMAL DOMINANT. Identifiers: MedGen CN293783, MONDO:0040501, OMIM 617821.
Cardiovascular phenotype. Identifiers: MedGen CN230736.
Ehlers-Danlos syndrome, classic type, 1 (EDSCL1). Also called: Ehlers-Danlos syndrome, type 1; EDS I; EHLERS-DANLOS SYNDROME, GRAVIS TYPE; EHLERS-DANLOS SYNDROME, SEVERE CLASSIC TYPE; Ehlers-Danlos Syndrome, Classic Type, COL5A1-Related. Identifiers: MedGen C0268335, MONDO:0019567, OMIM 130000.
Osteogenesis imperfecta type I (OI1). Also called: Lobstein's Disease; OI, TYPE I; OSTEOGENESIS IMPERFECTA TARDA; OSTEOGENESIS IMPERFECTA WITH BLUE SCLERAE; Lobstein disease; Osteogenesis imperfecta type 1. Identifiers: Orphanet 216796, Orphanet 666, MedGen C0023931, MONDO:0008146, OMIM 166200. Disease mechanism: loss of function.
Osteogenesis imperfecta (OI). Identifiers: Orphanet 666, MedGen C0029434, MeSH D010013, MONDO:0019019.

Allele frequency attached by ClinVar (database versions not stated): ExAC 0.00007; gnomAD 0.00010 and 0.00011; gnomAD exomes 0.00010 and 0.00016; TOPMed 0.00013; ESP Exome Variant Server 0.00023.
gnomAD v4.1: 271 of 1,613,390 alleles (0.017%); highest among the groups gnomAD compares: Non-Finnish European, 0.02%; no homozygotes.

Submissions (9):

Labcorp Genetics (formerly Invitae), Labcorp
Classification: Likely benign for Osteogenesis imperfecta type I; Ehlers-Danlos syndrome, classic type, 1. Last evaluated: 2026-01-21. Review status: criteria provided, single submitter. Criteria: Invitae Variant Classification Sherloc (09022015). Collection method: clinical testing. Allele origin: germline.

Women's Health and Genetics/Laboratory Corporation of America, LabCorp
Classification: Likely benign. Last evaluated: 2025-03-10. Review status: criteria provided, single submitter. Criteria: LabCorp Variant Classification Summary - May 2015. Collection method: clinical testing. Allele origin: germline.

Blueprint Genetics
Classification: Likely benign. Last evaluated: 2024-07-10. Review status: criteria provided, single submitter. Criteria: ACMG Guidelines, 2015. Collection method: clinical testing. Allele origin: germline.

CeGaT Center for Human Genetics Tuebingen
Classification: Likely benign. Last evaluated: 2024-07-01. Review status: criteria provided, single submitter. Criteria: CeGaT Center For Human Genetics Tuebingen Variant Classification Criteria Version 2. Collection method: clinical testing. Allele origin: germline. Affected: yes. Observed: 1 variant allele.
Comment: COL1A2: BP4, BP7

GeneDx
Classification: Likely benign. Last evaluated: 2021-02-11. Review status: criteria provided, single submitter. Criteria: GeneDx Variant Classification Process June 2021. Collection method: clinical testing. Allele origin: germline. Affected: yes.

Ambry Genetics
Classification: Likely benign for Cardiovascular phenotype. Last evaluated: 2019-05-26. Review status: criteria provided, single submitter. Criteria: Ambry Variant Classification Scheme 2023. Collection method: clinical testing. Allele origin: germline.

Illumina Laboratory Services, Illumina
Classification: Uncertain significance for Osteogenesis imperfecta. Last evaluated: 2018-01-13. Review status: criteria provided, single submitter. Criteria: ICSL Variant Classification Criteria 13 December 2019. Collection method: clinical testing. Allele origin: germline.

Illumina Laboratory Services, Illumina
Classification: Likely benign for Ehlers-Danlos syndrome, arthrochalasia type, 2. Last evaluated: 2018-01-13. Review status: criteria provided, single submitter. Criteria: ICSL Variant Classification Criteria 13 December 2019. Collection method: clinical testing. Allele origin: germline.
Comment: This variant was observed in the ICSL laboratory as part of a predisposition screen in an ostensibly healthy population. It had not been previously curated by ICSL or reported in the Human Gene Mutation Database (HGMD: prior to June 1st, 2018), and was therefore a candidate for classification through an automated scoring system. Utilizing variant allele frequency, disease prevalence and penetrance estimates, and inheritance mode, an automated score was calculated to assess if this variant is too frequent to cause the disease. Based on the score and internal cut-off values, a variant classified as likely benign is not then subjected to further curation. The score for this variant resulted in a classification of likely benign for this disease.

PreventionGenetics, part of Exact Sciences
Classification: Likely benign for COL1A2-related condition. Last evaluated: 2019-07-15. Review status: no assertion criteria provided. Collection method: clinical testing. Allele origin: germline. Not counted in ClinVar's aggregate classification.
Comment: This variant is classified as likely benign based on ACMG/AMP sequence variant interpretation guidelines (Richards et al. 2015 PMID: 25741868, with internal and published modifications).

NM_000089.4(COL1A2):c.2853T>C (p.Pro951=)

Gene: COL1A2 (collagen type I alpha 2 chain; plus strand). Cytogenetic location: 7q21.3.
Variant type: single nucleotide variant.
Coding change: c.2853T>C on transcript NM_000089.4 (MANE Select); coding-DNA position 2853, T replaced by C.
Protein change: p.Pro951=; no amino-acid change (proline 951 retained).
Molecular consequence: synonymous variant.
Genome position (GRCh38, 1-based): chr7:94,425,767, T>C. VCF-style: chr7-94425767-T-C. GRCh37 (hg19) VCF-style: chr7-94055079-T-C.
Identifiers: ClinVar variation 391277 (VCV000391277.40), dbSNP rs148362963, ClinGen allele CA4347584.